The following is an entry in ClinVar:

NM_006060.6(IKZF1):c.1009G>A (p.Gly337Ser)

Gene: IKZF1 (IKAROS family zinc finger 1; plus strand). Cytogenetic location: 7p12.2.
Variant type: single nucleotide variant.
Coding change: c.1009G>A on transcript NM_006060.6 (MANE Select); coding-DNA position 1009, G replaced by A.
Protein change: p.Gly337Ser; replaces glycine 337 with serine.
Molecular consequence: missense variant.
Genome position (GRCh38, 1-based): chr7:50,400,076, G>A. VCF-style: chr7-50400076-G-A. GRCh37 (hg19) VCF-style: chr7-50467774-G-A.
Other names: c.883G>A, p.Gly295Ser (NM_001220765.3, NM_001291837.2); c.718G>A, p.Gly240Ser (NM_001220767.2); c.748G>A, p.Gly250Ser (NM_001220768.2, NM_001291838.2); c.592G>A, p.Gly198Ser (NM_001220770.2); c.580G>A, p.Gly194Ser (NM_001220771.2, NM_001291841.1); c.622G>A, p.Gly208Ser (NM_001291839.2); c.319G>A, p.Gly107Ser (NM_001291840.1); c.550G>A, p.Gly184Ser (NM_001291842.1); and 3 more; short protein forms G184S, G194S, G295S, G142S, G240S, G337S, G357S, G107S.
Identifiers: ClinVar variation 2152033 (VCV002152033.29), dbSNP rs148169768, ClinGen allele CA4261446.

ClinVar aggregate classification (germline): Benign/Likely benign. Review status: criteria provided, multiple submitters, no conflicts (2 of 4 stars). 5 submissions from 5 submitters: Benign (3); Likely benign (2). Last evaluated 2026-02-02.

Conditions:
Pancytopenia due to IKZF1 mutations. Also called: Immunodeficiency, common variable, 13. Identifiers: Orphanet 317473, MedGen C4225173, MONDO:0014810, OMIM 616873.

Allele frequency attached by ClinVar (database versions not stated): ExAC 0.00133; gnomAD 0.00280; ESP Exome Variant Server 0.00327; TOPMed 0.00345; 1000 Genomes Project 30x 0.00390; 1000 Genomes Project 0.00399.
gnomAD v4.1: 900 of 1,584,626 alleles (0.057%); highest among the groups gnomAD compares: African/African-American, 1.1%; 5 homozygotes.

Submissions (5):

Labcorp Genetics (formerly Invitae), Labcorp
Classification: Benign. Last evaluated: 2026-02-02. Review status: criteria provided, single submitter. Criteria: Invitae Variant Classification Sherloc (09022015). Collection method: clinical testing. Allele origin: germline.

Women's Health and Genetics/Laboratory Corporation of America, LabCorp
Classification: Likely benign. Last evaluated: 2026-01-22. Review status: criteria provided, single submitter. Criteria: LabCorp Variant Classification Summary - May 2015. Collection method: clinical testing. Allele origin: germline.

Blueprint Genetics
Classification: Likely benign. Last evaluated: 2024-10-22. Review status: criteria provided, single submitter. Criteria: ACMG Guidelines, 2015. Collection method: clinical testing. Allele origin: germline.

ARUP Laboratories, Molecular Genetics and Genomics, ARUP Laboratories
Classification: Benign for Pancytopenia due to IKZF1 mutations. Last evaluated: 2024-10-10. Review status: criteria provided, single submitter. Criteria: ARUP Molecular Germline Variant Investigation Process 2024. Collection method: clinical testing. Allele origin: germline.

CeGaT Center for Human Genetics Tuebingen
Classification: Benign. Last evaluated: 2024-01-01. Review status: criteria provided, single submitter. Criteria: CeGaT Center For Human Genetics Tuebingen Variant Classification Criteria Version 2. Collection method: clinical testing. Allele origin: germline. Affected: yes. Observed: 1 variant allele.
Comment: ENSG00000285165: BS1, BS2; IKZF1: BP4, BS1, BS2

Literature cited by the submitters: PubMed 26202931 (cited by Women's Health and Genetics/Laboratory Corporation of America, LabCorp); PubMed 22868967 (cited by Women's Health and Genetics/Laboratory Corporation of America, LabCorp); PubMed 22699455 (cited by Women's Health and Genetics/Laboratory Corporation of America, LabCorp); PubMed 19129520 (cited by Women's Health and Genetics/Laboratory Corporation of America, LabCorp); PubMed 10463586 (cited by Women's Health and Genetics/Laboratory Corporation of America, LabCorp); PubMed 7585946 (cited by Women's Health and Genetics/Laboratory Corporation of America, LabCorp); PubMed 27067989 (cited by Women's Health and Genetics/Laboratory Corporation of America, LabCorp); PubMed 27815723 (cited by Women's Health and Genetics/Laboratory Corporation of America, LabCorp); PubMed 8986714 (cited by Women's Health and Genetics/Laboratory Corporation of America, LabCorp).